The following is an entry in ClinVar:

NM_004614.5(TK2):c.704T>C (p.Ile235Thr)

Gene: TK2 (thymidine kinase 2; minus strand). Cytogenetic location: 16q21.
Variant type: single nucleotide variant.
Coding change: c.704T>C on transcript NM_004614.5 (MANE Select); coding-DNA position 704, T replaced by C.
Protein change: p.Ile235Thr; replaces isoleucine 235 with threonine.
Molecular consequence: missense variant. On other transcripts: 3 prime UTR variant (1), non-coding transcript variant (1).
Genome position (GRCh38, 1-based): chr16:66,512,062, A>G on the plus strand (T>C on the coding strand, the complement: TK2 is on the minus strand). VCF-style: chr16-66512062-A-G. GRCh37 (hg19) VCF-style: chr16-66545965-A-G.
Other names: c.704T>C (NM_004614.4); c.611T>C, p.Ile204Thr (NM_001172643.1); c.629T>C, p.Ile210Thr (NM_001172644.2); c.650T>C, p.Ile217Thr (NM_001172645.2); c.557T>C, p.Ile186Thr (NM_001271934.2); c.*1T>C (NM_001271935.1); c.413T>C, p.Ile138Thr (NM_001272050.2); short protein forms I138T, I204T, I210T, I217T, I186T, I235T.
Identifiers: ClinVar variation 1952206 (VCV001952206.7), dbSNP rs1315779439, ClinGen allele CA396186765.

ClinVar aggregate classification (germline): Uncertain significance. Review status: criteria provided, multiple submitters, no conflicts (2 of 4 stars). 2 submissions from 2 submitters: Uncertain significance (2). Last evaluated 2025-11-24.

Conditions:
Mitochondrial disease. Also called: Mitochondrial disorder; Mitochondrial disorders. Identifiers: Orphanet 68380, MedGen C0751651, MeSH D028361, MONDO:0044970.

Allele frequency attached by ClinVar (database versions not stated): gnomAD exomes below 0.00001; gnomAD 0.00001.
gnomAD v4.1: 2 of 1,614,020 alleles (0.00012%); highest among the groups gnomAD compares: Non-Finnish European, 0.00017%; no homozygotes.

Submissions (2):

Genomenon, Inc
Classification: Uncertain significance for Mitochondrial disease. Last evaluated: 2025-11-24. Review status: criteria provided, single submitter. Criteria: Genomenon Sequence Variant Interpretation Standards - Updated. Collection method: curation. Allele origin: germline. Affected: yes.
Comment: TK2 p.Ile235Thr (c.704T>C) is a missense variant that changes the amino acid at residue 235 from Isoleucine to Threonine. This variant has been observed in a proband affected with mitochondrial disease in the compound heterozygous state (40030095). This variant is not present at a significant frequency in gnomAD and in silico models agree that this variant is possibly or probably damaging. In conclusion, we classify TK2 p.Ile235Thr (c.704T>C) as a variant of uncertain significance.

Labcorp Genetics (formerly Invitae), Labcorp
Classification: Uncertain significance. Last evaluated: 2024-09-06. Review status: criteria provided, single submitter. Criteria: Invitae Variant Classification Sherloc (09022015). Collection method: clinical testing. Allele origin: germline.
Comment: This sequence change replaces isoleucine, which is neutral and non-polar, with threonine, which is neutral and polar, at codon 235 of the TK2 protein (p.Ile235Thr). This variant is present in population databases (no rsID available, gnomAD 0.007%). This variant has not been reported in the literature in individuals affected with TK2-related conditions. ClinVar contains an entry for this variant (Variation ID: 1952206). Invitae Evidence Modeling of protein sequence and biophysical properties (such as structural, functional, and spatial information, amino acid conservation, physicochemical variation, residue mobility, and thermodynamic stability) indicates that this missense variant is expected to disrupt TK2 protein function with a positive predictive value of 80%. In summary, the available evidence is currently insufficient to determine the role of this variant in disease. Therefore, it has been classified as a Variant of Uncertain Significance.

Literature cited by the submitters: PubMed 40030095 (cited by Genomenon, Inc).